The following is an entry in ClinVar:

NM_001377405.1(ATXN7):c.89AGC[12] (p.Gln38_Gln39dup)

Genes: ATXN7 (ataxin 7; plus strand), LOC129936979 (ATAC-STARR-seq lymphoblastoid silent region 14501; plus strand), LOC108660406 (ataxin 7 repeat instability region; plus strand). Cytogenetic location: 3p14.1.
Variant type: Microsatellite.
Coding change: c.89AGC[12] on transcript NM_001377405.1 (MANE Select); 12 copies in a row of the 3-base unit AGC starting at c.89; the reference has ten copies in a row; two copies, 6 bases duplicated.
Protein change: p.Gln38_Gln39dup.
Molecular consequence: inframe insertion.
Genome position (GRCh38, 1-based): chr3:63,912,711-63,912,716, AGCAGC duplicated; duplicating any 6 consecutive bases within chr3:63,912,685-63,912,716 gives the same sequence; the position shown is the placement nearest the transcript's 3' end. VCF-style (leftmost placement, unchanged base first): chr3-63912684-G-GGCAGCA. GRCh37 (hg19) VCF-style: chr3-63898360-G-GGCAGCA.
Other names: c.113_118dupAGCAGC (NM_001177387.1); c.89AGC[12], p.Gln38_Gln39dup (NM_000333.4, NM_001177387.1, NM_001377406.1); c.113_118dup (NM_000333.4).
Identifiers: ClinVar variation 402403 (VCV000402403.6), dbSNP rs193922929, ClinGen allele CA2478167.

ClinVar aggregate classification (germline): Likely benign. Review status: criteria provided, multiple submitters, no conflicts (2 of 4 stars). 3 submissions from 3 submitters: Likely benign (2). 1 of the submissions does not count toward it. Last evaluated 2024-11-26.

Conditions:
Retinal dystrophy. Also called: Inherited retinal dystrophy. Identifiers: Orphanet 71862, MedGen C0854723, MeSH D058499, MONDO:0019118, HP:0000556.

Submissions (3):

Blueprint Genetics
Classification: Likely benign. Last evaluated: 2024-11-26. Review status: criteria provided, single submitter. Criteria: ACMG Guidelines, 2015. Collection method: clinical testing. Allele origin: germline.

Laboratory for Molecular Medicine, Mass General Brigham Personalized Medicine
Classification: Likely benign. Last evaluated: 2016-03-28. Review status: criteria provided, single submitter. Criteria: LMM Criteria. Collection method: clinical testing. Allele origin: germline.
Comment: Variant identified in a genome or exome case(s) and assessed due to predicted null impact of the variant or pathogenic assertions in the literature or databases. Disclaimer: This variant has not undergone full assessment. The following are preliminary notes: Poly-Q expansions in this gene associated with spinocerebellar ataxia 7. SCA7 is characterized by progressive cerebellar ataxia, including dysarthria and dysphagia, and cone-rod and retinal dystrophy with progressive central visual loss resulting in blindness in affected adults. Onset in early childhood or infancy has an especially rapid and aggressive course often associated with failure to thrive and regression of motor milestones. Affected individuals usually have greater than 36 CAG repeats, although individuals with fewer repeats may also present with symptoms.

Institute of Human Genetics, Univ. Regensburg, Univ. Regensburg
Classification: Uncertain significance for Retinal dystrophy. Last evaluated: 2022-01-01. Review status: no assertion criteria provided. Criteria: ACMG Guidelines, 2015. Collection method: clinical testing. Allele origin: germline. Affected: yes. Not counted in ClinVar's aggregate classification.